The following is an entry in ClinVar:

ClinVar aggregate classification (germline): Uncertain significance. Review status: criteria provided, multiple submitters, no conflicts (2 of 4 stars). 2 submissions from 2 submitters: Uncertain significance (2). Last evaluated 2024-05-06.

Allele frequency attached by ClinVar (database versions not stated): TOPMed below 0.00001; gnomAD 0.00001.

Submissions (2):

Labcorp Genetics (formerly Invitae), Labcorp
Classification: Uncertain significance. Last evaluated: 2024-05-06. Review status: criteria provided, single submitter. Criteria: Invitae Variant Classification Sherloc (09022015). Collection method: clinical testing. Allele origin: germline.
Comment: This sequence change replaces alanine, which is neutral and non-polar, with threonine, which is neutral and polar, at codon 310 of the EDNRB protein (p.Ala310Thr). This variant is not present in population databases (gnomAD no frequency). This missense change has been observed in individual(s) with EDNRB-related conditions (PMID: 10664228, 16618617, 20009762). ClinVar contains an entry for this variant (Variation ID: 1684703). An algorithm developed to predict the effect of missense changes on protein structure and function (PolyPhen-2) suggests that this variant is likely to be tolerated. In summary, the available evidence is currently insufficient to determine the role of this variant in disease. Therefore, it has been classified as a Variant of Uncertain Significance.

Mendelics
Classification: Uncertain significance. Last evaluated: 2022-05-04. Review status: criteria provided, single submitter. Criteria: Mendelics Assertion Criteria 2019. Collection method: clinical testing. Allele origin: germline.

Literature cited by the submitters: PubMed 10664228 (cited by Labcorp Genetics (formerly Invitae), Labcorp); PubMed 16618617 (cited by Labcorp Genetics (formerly Invitae), Labcorp); PubMed 20009762 (cited by Labcorp Genetics (formerly Invitae), Labcorp).

NM_001122659.3(EDNRB):c.928G>A (p.Ala310Thr)

Genes: EDNRB (endothelin receptor type B; minus strand), EDNRB-AS1 (EDNRB antisense RNA 1; plus strand). Cytogenetic location: 13q22.3.
Variant type: single nucleotide variant.
Coding change: c.928G>A on transcript NM_001122659.3 (MANE Select); coding-DNA position 928, G replaced by A.
Protein change: p.Ala310Thr; replaces alanine 310 with threonine.
Molecular consequence: missense variant.
Genome position (GRCh38, 1-based): chr13:77,901,081, C>T on the plus strand (G>A on the coding strand, the complement: EDNRB is on the minus strand). VCF-style: chr13-77901081-C-T. GRCh37 (hg19) VCF-style: chr13-78475216-C-T.
Other names: c.928G>A, p.Ala310Thr (NM_000115.5, NM_003991.4); c.1198G>A, p.Ala400Thr (NM_001201397.2); short protein forms A310T, A400T.
Identifiers: ClinVar variation 1684703 (VCV001684703.6), dbSNP rs944500117, ClinGen allele CA253048128.